The following is an entry in ClinVar:

NM_006208.3(ENPP1):c.1635+16A>G

Gene: ENPP1 (ectonucleotide pyrophosphatase/phosphodiesterase 1; plus strand). Cytogenetic location: 6q23.2.
Variant type: single nucleotide variant.
Coding change: c.1635+16A>G on transcript NM_006208.3 (MANE Select); 16 bases into the intron after coding-DNA position 1635, A replaced by G.
Molecular consequence: intron variant.
Genome position (GRCh38, 1-based): chr6:131,874,353, A>G. VCF-style: chr6-131874353-A-G. GRCh37 (hg19) VCF-style: chr6-132195493-A-G.
Other names: c.1635+16A>G (NM_006208.2).
Identifiers: ClinVar variation 1916054 (VCV001916054.6), dbSNP rs761472991, ClinGen allele CA4002268.

ClinVar aggregate classification (germline): Likely benign. Review status: criteria provided, multiple submitters, no conflicts (2 of 4 stars). 2 submissions from 2 submitters: Likely benign (2). Last evaluated 2025-03-18.

Allele frequency attached by ClinVar (database versions not stated): gnomAD 0.00001; TOPMed 0.00003; ExAC 0.00004.
gnomAD v4.1: 11 of 1,417,666 alleles (0.00078%); highest among the groups gnomAD compares: Admixed American, 0.017%; no homozygotes.

Submissions (2):

Labcorp Genetics (formerly Invitae), Labcorp
Classification: Likely benign. Last evaluated: 2025-03-18. Review status: criteria provided, single submitter. Criteria: Invitae Variant Classification Sherloc (09022015). Collection method: clinical testing. Allele origin: germline.

Women's Health and Genetics/Laboratory Corporation of America, LabCorp
Classification: Likely benign. Last evaluated: 2023-09-13. Review status: criteria provided, single submitter. Criteria: LabCorp Variant Classification Summary - May 2015. Collection method: clinical testing. Allele origin: germline.
Comment: Variant summary: ENPP1 c.1635+16A>G alters a non-conserved nucleotide located at a position not widely known to affect splicing. Consensus agreement among computation tools predict no significant impact on normal splicing. However, these predictions have yet to be confirmed by functional studies. The variant allele was found at a frequency of 3.2e-05 in 278098 control chromosomes (gnomAD). The available data on variant occurrences in the general population are insufficient to allow any conclusion about variant significance. To our knowledge, no occurrence of c.1635+16A>G in individuals affected with ENPP1-Related Disorders and no experimental evidence demonstrating its impact on protein function have been reported. One submitter has cited a clinical-significance assessment for this variant to ClinVar after 2014 and has classified the variant as likely benign. Based on the evidence outlined above, the variant was classified as likely benign.